The following is an entry in ClinVar:

ClinVar aggregate classification (germline): Pathogenic (1 of 4 stars; one submission).

Conditions:
Axenfeld-Rieger syndrome type 3 (RIEG3). Also called: AXENFELD-RIEGER ANOMALY WITH CARDIAC DEFECTS AND/OR SENSORINEURAL HEARING LOSS. Identifiers: Orphanet 782, MedGen C2678503, MONDO:0011233, OMIM 602482.

Submission:

Institute of Human Genetics, FAU Erlangen, Friedrich-Alexander-Universität Erlangen-Nürnberg
Classification: Pathogenic for Axenfeld-Rieger syndrome type 3. Last evaluated: 2018-03-06. Review status: criteria provided, single submitter. Criteria: ACMG Guidelines, 2015. Collection method: clinical testing. Allele origin: de novo. Inheritance: Sporadic. Affected: yes. Observed: 1 variant allele, 1 heterozygote.
Comment: The variant was classified as pathogenic based on ACMG criteria (class 5: PS2, PM1, PM2, PM4, PP3). Variant was originally reported as NM_001453.2: c.407_409delGTC in PMID: 25967385.

Literature cited by the submitters: PubMed 25967385.

NM_001453.3(FOXC1):c.409_411del (p.Val137del)

Gene: FOXC1 (forkhead box C1; plus strand). Cytogenetic location: 6p25.3.
Variant type: Deletion.
Coding change: c.409_411del on transcript NM_001453.3 (MANE Select); coding-DNA positions 409 to 411, 3 bases deleted (GTC; older notation c.409_411delGTC).
Protein change: p.Val137del; deletes valine 137.
Molecular consequence: inframe deletion.
Genome position (GRCh38, 1-based): chr6:1,610,854-1,610,856, GTC deleted; deleting any 3 consecutive bases within chr6:1,610,852-1,610,856 gives the same sequence; the c. name uses the placement nearest the transcript's 3' end. VCF-style (leftmost placement, unchanged base first): chr6-1610851-TTCG-T. GRCh37 (hg19) VCF-style: chr6-1611086-TTCG-T.
Other names: short protein forms V137del.
Identifiers: ClinVar variation 495292 (VCV000495292.2), dbSNP rs1554100963, ClinGen allele CA658683436.